The following is an entry in ClinVar:

NM_173477.5(USH1G):c.175del (p.Asp59fs)

Gene: USH1G (USH1 protein network component sans; minus strand). Cytogenetic location: 17q25.1.
Variant type: Deletion.
Coding change: c.175del on transcript NM_173477.5 (MANE Select); coding-DNA position 175, one base deleted (G; older notation c.175delG).
Protein change: p.Asp59fs; shifts the reading frame from aspartic acid 59.
Molecular consequence: frameshift variant. On other transcripts: intron variant (1).
Genome position (GRCh38, 1-based): chr17:74,920,661, C deleted on the plus strand (G on the coding strand, the reverse complement: USH1G is on the minus strand); the first of 2 consecutive C bases (chr17:74,920,661-74,920,662); deleting either gives the same sequence. VCF-style (leftmost placement, unchanged base first): chr17-74920660-TC-T. GRCh37 (hg19) VCF-style: chr17-72916755-TC-T.
Other names: c.-92-43del (NM_001282489.3); short protein forms D59fs.
Identifiers: ClinVar variation 3026510 (VCV003026510.22), dbSNP rs2544432008, ClinGen allele CA2740093917.

ClinVar aggregate classification (germline): Pathogenic (1 of 4 stars; one submission).

Submission:

CeGaT Center for Human Genetics Tuebingen
Classification: Pathogenic. Last evaluated: 2024-01-01. Review status: criteria provided, single submitter. Criteria: CeGaT Center For Human Genetics Tuebingen Variant Classification Criteria Version 2. Collection method: clinical testing. Allele origin: germline. Affected: yes. Observed: 1 variant allele.
Comment: USH1G: PVS1, PM2